The following is an entry in ClinVar:

ClinVar aggregate classification (germline): Uncertain significance. Review status: criteria provided, multiple submitters, no conflicts (2 of 4 stars). 4 submissions from 4 submitters: Uncertain significance (4). Last evaluated 2025-02-19.

Conditions:
Inborn genetic diseases. Identifiers: MedGen C0950123, MeSH D030342.
Chédiak-Higashi syndrome (CHS). Also called: Chediak-Higashi Syndrome. Identifiers: Orphanet 167, MedGen C0007965, MONDO:0008963, OMIM 214500.

Allele frequency attached by ClinVar (database versions not stated): gnomAD exomes 0.00001; ExAC 0.00002; gnomAD 0.00002; ESP Exome Variant Server 0.00015.
gnomAD v4.1: 12 of 1,529,036 alleles (0.00078%); highest among the groups gnomAD compares: Non-Finnish European, 0.001%; no homozygotes.

Submissions (4):

Ambry Genetics
Classification: Uncertain significance for Inborn genetic diseases. Last evaluated: 2025-02-19. Review status: criteria provided, single submitter. Criteria: Ambry Variant Classification Scheme 2023. Collection method: clinical testing. Allele origin: germline.

Mayo Clinic Laboratories, Mayo Clinic
Classification: Uncertain significance. Last evaluated: 2023-07-14. Review status: criteria provided, single submitter. Criteria: ACMG Guidelines, 2015. Collection method: clinical testing. Allele origin: germline. Observed: 1 variant allele.
Comment: BP4

Labcorp Genetics (formerly Invitae), Labcorp
Classification: Uncertain significance for Chédiak-Higashi syndrome. Last evaluated: 2022-08-31. Review status: criteria provided, single submitter. Criteria: Invitae Variant Classification Sherloc (09022015). Collection method: clinical testing. Allele origin: germline.
Comment: This sequence change replaces glutamic acid, which is acidic and polar, with aspartic acid, which is acidic and polar, at codon 2658 of the LYST protein (p.Glu2658Asp). This variant is present in population databases (rs150974382, gnomAD 0.003%). This variant has not been reported in the literature in individuals affected with LYST-related conditions. Algorithms developed to predict the effect of missense changes on protein structure and function output the following: SIFT: "Tolerated"; PolyPhen-2: "Benign"; Align-GVGD: "Class C0". The aspartic acid amino acid residue is found in multiple mammalian species, which suggests that this missense change does not adversely affect protein function. In summary, the available evidence is currently insufficient to determine the role of this variant in disease. Therefore, it has been classified as a Variant of Uncertain Significance.

Revvity Omics, Revvity
Classification: Uncertain significance for Chédiak-Higashi syndrome. Last evaluated: 2019-08-14. Review status: criteria provided, single submitter. Criteria: ACMG Guidelines, 2015. Collection method: clinical testing. Allele origin: germline.

NM_000081.4(LYST):c.7974A>C (p.Glu2658Asp)

Gene: LYST (lysosomal trafficking regulator; minus strand). Cytogenetic location: 1q42.3.
Variant type: single nucleotide variant.
Coding change: c.7974A>C on transcript NM_000081.4 (MANE Select); coding-DNA position 7974, A replaced by C.
Protein change: p.Glu2658Asp; replaces glutamic acid 2658 with aspartic acid.
Molecular consequence: missense variant.
Genome position (GRCh38, 1-based): chr1:235,744,156, T>G on the plus strand (A>C on the coding strand, the complement: LYST is on the minus strand). VCF-style: chr1-235744156-T-G. GRCh37 (hg19) VCF-style: chr1-235907456-T-G.
Other names: p.Glu2658Asp; c.7974A>C, p.Glu2658Asp (NM_001301365.1); c.7974A>C (NM_000081.2); short protein forms E2658D.
Identifiers: ClinVar variation 2076878 (VCV002076878.6), dbSNP rs150974382, ClinGen allele CA1465974.